The following is an entry in ClinVar:

NM_001042492.3(NF1):c.8490C>A (p.Phe2830Leu)

Gene: NF1 (neurofibromin 1; plus strand). Cytogenetic location: 17q11.2.
Variant type: single nucleotide variant.
Coding change: c.8490C>A on transcript NM_001042492.3 (MANE Select); coding-DNA position 8490, C replaced by A.
Protein change: p.Phe2830Leu; replaces phenylalanine 2830 with leucine.
Molecular consequence: missense variant.
Genome position (GRCh38, 1-based): chr17:31,374,125, C>A. VCF-style: chr17-31374125-C-A. GRCh37 (hg19) VCF-style: chr17-29701143-C-A.
Other names: c.8427C>A, p.Phe2809Leu (NM_000267.4); short protein forms F2809L, F2830L.
Identifiers: ClinVar variation 187205 (VCV000187205.17), dbSNP rs760550772, ClinGen allele CA197005.

ClinVar aggregate classification (germline): Conflicting classifications of pathogenicity. Review status: criteria provided, conflicting classifications (1 of 4 stars). 7 submissions from 6 submitters: Uncertain significance (5); Likely benign (2). Last evaluated 2026-02-10.

Conditions:
NF1-related disorder. Also called: NF1-related condition. Identifiers: MedGen CN379171.
Cardiovascular phenotype. Identifiers: MedGen CN230736.
Hereditary cancer-predisposing syndrome. Also called: Neoplastic Syndromes, Hereditary; Tumor predisposition; Hereditary neoplastic syndrome; Hereditary Cancer Syndrome. Identifiers: Orphanet 140162, MedGen C0027672, MeSH D009386, MONDO:0015356.
Neurofibromatosis-Noonan syndrome (NFNS). Also called: NEUROFIBROMATOSIS WITH NOONAN PHENOTYPE. Identifiers: Orphanet 638, MedGen C2931482, MONDO:0011035, OMIM 601321. Disease mechanism: loss of function.
Café-au-lait macules with pulmonary stenosis (WTSN). Also called: PULMONIC STENOSIS WITH CAFE-AU-LAIT SPOTS. Identifiers: MedGen C0553586, MONDO:0008672, OMIM 193520.
Neurofibromatosis, type 1 (NF1). Also called: VON RECKLINGHAUSEN DISEASE; Peripheral type neurofibromatosis; Neurofibromatosis, type I; NEUROFIBROMATOSIS, TYPE I, SOMATIC. Identifiers: Orphanet 636, MedGen C0027831, MONDO:0018975, OMIM 162200. Disease mechanism: loss of function.

Allele frequency attached by ClinVar (database versions not stated): gnomAD exomes 0.00001 and 0.00004; ExAC 0.00002; TOPMed 0.00003; gnomAD 0.00004.
gnomAD v4.1: 68 of 1,613,952 alleles (0.0042%); highest among the groups gnomAD compares: Non-Finnish European, 0.005%; no homozygotes.

Submissions (7):

PreventionGenetics, part of Exact Sciences
Classification: Uncertain significance for NF1-related condition. Last evaluated: 2026-02-10. Review status: criteria provided, single submitter. Criteria: ACMG Guidelines, 2015. Collection method: clinical testing. Allele origin: germline.
Comment: The NF1 c.8490C>A variant is predicted to result in the amino acid substitution p.Phe2830Leu. This variant has been reported in the literature in several individuals with breast cancer (Breast Cancer Association Consortium et al. 2021. PubMed ID: 33471991). This variant is reported in 0.012% of alleles in individuals of African descent in gnomAD. This variant has conflicting interpretations of uncertain and likely benign in ClinVar (Variation ID: 187205). Although we suspect this variant may be benign, at this time, the clinical significance of this variant is uncertain due to the absence of conclusive functional and genetic evidence.

Labcorp Genetics (formerly Invitae), Labcorp
Classification: Likely benign for Neurofibromatosis, type 1. Last evaluated: 2026-01-28. Review status: criteria provided, single submitter. Criteria: Invitae Variant Classification Sherloc (09022015). Collection method: clinical testing. Allele origin: germline.

GeneDx
Classification: Uncertain significance. Last evaluated: 2023-11-21. Review status: criteria provided, single submitter. Criteria: GeneDx Variant Classification Process June 2021. Collection method: clinical testing. Allele origin: germline. Affected: yes.
Comment: In silico analysis supports that this missense variant does not alter protein structure/function; Has not been previously published as pathogenic or benign to our knowledge

Ambry Genetics
Classification: Likely benign for Cardiovascular phenotype; Hereditary cancer-predisposing syndrome. Last evaluated: 2023-03-08. Review status: criteria provided, single submitter. Criteria: Ambry Variant Classification Scheme 2023. Collection method: clinical testing. Allele origin: germline.

Genome-Nilou Lab
Classification: Uncertain significance for Neurofibromatosis, type 1. Last evaluated: 2022-03-15. Review status: criteria provided, single submitter. Criteria: ACMG Guidelines, 2015. Collection method: clinical testing. Allele origin: germline. Affected: no.

Sema4
Classification: Uncertain significance for Hereditary cancer-predisposing syndrome. Last evaluated: 2021-11-27. Review status: criteria provided, single submitter. Criteria: Sema4 Curation Guidelines. Collection method: curation. Allele origin: germline.
Comment: The NF1 c.8427C>A (p.F2809L) variant has not been reported in the individuals with NF1-related disease. It is reported in 3 cases and not in controls in a large dataset of 60,466 women with breast cancer and 53,461controls (PMID: 33471991). It was observed in 2/16252 chromosomes in the African/African American subpopulation according to the Genome Aggregation Database (PMID: 32461654). This variant has been reported in ClinVar (Variation ID: 187205). In silico tools suggest the impact of the variant on protein function is inconclusive, though these predictions have not been confirmed by functional studies. The evidence is insufficient to meet ACMG/AMP criteria for classifying the variant as benign or pathogenic. Thus, the clinical significance of this variant is currently uncertain.

Ambry Genetics
Classification: Uncertain significance for Hereditary cancer-predisposing syndrome. Last evaluated: 2015-07-29. Review status: criteria provided, single submitter. Criteria: Ambry Autosomal Dominant and X-Linked criteria (10/2015). Collection method: clinical testing. Allele origin: germline. Observed: 1 variant allele.
Comment: The p.F2830L variant (also known as c.8490C>A), located in coding exon 58 of the NF1 gene, results from a C to A substitution at nucleotide position 8490. The phenylalanine at codon 2830 is replaced by leucine, an amino acid with highly similar properties. This variant was not reported in population based cohorts in the following databases: Database of Single Nucleotide Polymorphisms (dbSNP), NHLBI Exome Sequencing Project (ESP), and 1000 Genomes Project. In the ESP, this variant was not observed in 6503 samples (13006 alleles) with coverage at this position. To date, this alteration has been detected with an allele frequency of approximately 0.005% (greater than 110000 alleles tested) in our clinical cohort. This amino acid position is highly conserved in available vertebrate species. In addition, this alteration is predicted to be tolerated by in silico analysis. Since supporting evidence is limited at this time, the clinical significance of p.F2830L remains unclear.

Literature cited by the submitters: PubMed 33471991 (cited by Sema4).